The following is an entry in ClinVar:

ClinVar aggregate classification (germline): Conflicting classifications of pathogenicity. Review status: criteria provided, conflicting classifications (1 of 4 stars). 7 submissions from 7 submitters: Uncertain significance (1); Likely benign (5). 1 of the submissions does not count toward it. Last evaluated 2026-01-15.

Conditions:
PLEC-related disorder. Also called: PLEC-related condition; PLEC-related disorders.
Autosomal recessive limb-girdle muscular dystrophy type 2Q (LGMDR17). Also called: MUSCULAR DYSTROPHY, LIMB-GIRDLE, AUTOSOMAL RECESSIVE 17. Identifiers: Orphanet 254361, MedGen C3150989, MONDO:0013390, OMIM 613723.
Epidermolysis bullosa simplex with nail dystrophy (EBS5D). Identifiers: MedGen C4225309, MONDO:0014661, OMIM 616487.
Epidermolysis bullosa simplex 5C, with pyloric atresia (EBS5C). Also called: PLEC-Related Epidermolysis Bullosa with Pyloric Atresia; PLEC1-Related Epidermolysis Bullosa with Pyloric Atresia; Epidermolysis bullosa simplex with pyloric atresia. Identifiers: Orphanet 158684, MedGen C2677349, MONDO:0012807, OMIM 612138.
Epidermolysis bullosa simplex, Ogna type (EBS5A). Also called: Pidermolysis bullosa simplex 5A, Ogna type; EPIDERMOLYSIS BULLOSA SIMPLEX 5A, OGNA TYPE. Identifiers: Orphanet 79401, MedGen C0432317, MONDO:0007555, OMIM 131950.
Epidermolysis bullosa simplex 5B, with muscular dystrophy (EBS5B). Also called: Epidermolysis bullosa simplex with muscular dystrophy; EPIDERMOLYSIS BULLOSA SIMPLEX AND LIMB-GIRDLE MUSCULAR DYSTROPHY. Identifiers: Orphanet 257, MedGen C2931072, MONDO:0009181, OMIM 226670.
Inborn genetic diseases. Identifiers: MedGen C0950123, MeSH D030342.

Allele frequency attached by ClinVar (database versions not stated): gnomAD exomes 0.00024 and 0.00055; ExAC 0.00067; ESP Exome Variant Server 0.00163; gnomAD 0.00241 and 0.00263; 1000 Genomes Project 30x 0.00250; 1000 Genomes Project 0.00260; TOPMed 0.00263.
gnomAD v4.1: 739 of 1,613,122 alleles (0.046%); highest among the groups gnomAD compares: African/African-American, 0.86%; 7 homozygotes.

Submissions (7):

Labcorp Genetics (formerly Invitae), Labcorp
Classification: Likely benign for Autosomal recessive limb-girdle muscular dystrophy type 2Q; Epidermolysis bullosa simplex, Ogna type; Epidermolysis bullosa simplex with nail dystrophy; Epidermolysis bullosa simplex 5C, with pyloric atresia; Epidermolysis bullosa simplex 5B, with muscular dystrophy. Last evaluated: 2026-01-15. Review status: criteria provided, single submitter. Criteria: Invitae Variant Classification Sherloc (09022015). Collection method: clinical testing. Allele origin: germline.

Ambry Genetics
Classification: Uncertain significance for Inborn genetic diseases. Last evaluated: 2025-10-06. Review status: criteria provided, single submitter. Criteria: Ambry Variant Classification Scheme 2023. Collection method: clinical testing. Allele origin: germline.

CeGaT Center for Human Genetics Tuebingen
Classification: Likely benign. Last evaluated: 2025-05-01. Review status: criteria provided, single submitter. Criteria: CeGaT Center For Human Genetics Tuebingen Variant Classification Criteria Version 2. Collection method: clinical testing. Allele origin: germline. Affected: yes. Observed: 2 variant alleles.
Comment: PLEC: BS2

Blueprint Genetics
Classification: Likely benign. Last evaluated: 2024-11-26. Review status: criteria provided, single submitter. Criteria: ACMG Guidelines, 2015. Collection method: clinical testing. Allele origin: germline.

GeneDx
Classification: Likely benign. Last evaluated: 2020-04-20. Review status: criteria provided, single submitter. Criteria: GeneDx Variant Classification Process June 2021. Collection method: clinical testing. Allele origin: germline. Affected: yes.

Eurofins Ntd Llc (ga)
Classification: Likely benign. Last evaluated: 2016-08-31. Review status: criteria provided, single submitter. Criteria: EGL Classification Definitions 2015. Collection method: clinical testing. Allele origin: germline. Observed: 4 variant alleles, 4 heterozygotes.

PreventionGenetics, part of Exact Sciences
Classification: Benign for PLEC-related condition. Last evaluated: 2023-08-21. Review status: no assertion criteria provided. Collection method: clinical testing. Allele origin: germline. Not counted in ClinVar's aggregate classification.
Comment: This variant is classified as benign based on ACMG/AMP sequence variant interpretation guidelines (Richards et al. 2015 PMID: 25741868, with internal and published modifications).

NM_201384.3(PLEC):c.9718G>A (p.Glu3240Lys)

Gene: PLEC (plectin; minus strand). Cytogenetic location: 8q24.3.
Variant type: single nucleotide variant.
Coding change: c.9718G>A on transcript NM_201384.3 (MANE Select); coding-DNA position 9718, G replaced by A.
Protein change: p.Glu3240Lys; replaces glutamic acid 3240 with lysine.
Molecular consequence: missense variant.
Genome position (GRCh38, 1-based): chr8:143,920,103, C>T on the plus strand (G>A on the coding strand, the complement: PLEC is on the minus strand). VCF-style: chr8-143920103-C-T. GRCh37 (hg19) VCF-style: chr8-144994271-C-T.
Other names: c.9799G>A, p.Glu3267Lys (NM_000445.5); c.9676G>A, p.Glu3226Lys (NM_201378.4); c.9652G>A, p.Glu3218Lys (NM_201379.3); c.10129G>A, p.Glu3377Lys (NM_201380.4); c.9622G>A, p.Glu3208Lys (NM_201381.3); c.9718G>A, p.Glu3240Lys (NM_201382.4); c.9730G>A, p.Glu3244Lys (NM_201383.3); short protein forms E3226K, E3244K, E3208K, E3218K, E3240K, E3267K, E3377K.
Identifiers: ClinVar variation 284790 (VCV000284790.60), dbSNP rs75857070, ClinGen allele CA4924877.